The following is an entry in ClinVar:

NM_006231.4(POLE):c.6418G>A (p.Glu2140Lys)

Gene: POLE (DNA polymerase epsilon, catalytic subunit; minus strand). Cytogenetic location: 12q24.33.
Variant type: single nucleotide variant.
Coding change: c.6418G>A on transcript NM_006231.4 (MANE Select); coding-DNA position 6418, G replaced by A.
Protein change: p.Glu2140Lys; replaces glutamic acid 2140 with lysine.
Molecular consequence: missense variant.
Genome position (GRCh38, 1-based): chr12:132,626,230, C>T on the plus strand (G>A on the coding strand, the complement: POLE is on the minus strand). VCF-style: chr12-132626230-C-T. GRCh37 (hg19) VCF-style: chr12-133202816-C-T.
Other names: short protein forms E2140K.
Identifiers: ClinVar variation 220866 (VCV000220866.76), dbSNP rs5745066, ClinGen allele CA349657.

ClinVar aggregate classification (germline): Benign/Likely benign. Review status: criteria provided, multiple submitters, no conflicts (2 of 4 stars). 23 submissions from 23 submitters: Benign (13); Likely benign (2). 8 of the submissions do not count toward it. Last evaluated 2026-09-01.

Conditions:
Hereditary cancer-predisposing syndrome. Also called: Neoplastic Syndromes, Hereditary; Tumor predisposition; Hereditary Cancer Syndrome; Hereditary neoplastic syndrome. Identifiers: Orphanet 140162, MedGen C0027672, MeSH D009386, MONDO:0015356.
Colorectal cancer, susceptibility to, 12 (CRCS12). Also called: COLORECTAL CANCER, SUSCEPTIBILITY TO, ON CHROMOSOME 12q24. Identifiers: Orphanet 220460, MedGen C3554460, MONDO:0014038, OMIM 615083.

Allele frequency attached by ClinVar (database versions not stated): 1000 Genomes Project 0.00459; 1000 Genomes Project 30x 0.00500; TOPMed 0.01315; gnomAD 0.01416; ESP Exome Variant Server 0.01522.
gnomAD v4.1: 30,181 of 1,613,774 alleles (1.9%); highest among the groups gnomAD compares: Non-Finnish European, 2.2%; 387 homozygotes.

Submissions (23):

CeGaT Center for Human Genetics Tuebingen
Classification: Benign. Last evaluated: 2026-09-01. Review status: criteria provided, single submitter. Criteria: CeGaT Center For Human Genetics Tuebingen Variant Classification Criteria Version 2. Collection method: clinical testing. Allele origin: germline. Affected: yes. Observed: 240 variant alleles.
Comment: POLE: BS1, BS2

Labcorp Genetics (formerly Invitae), Labcorp
Classification: Benign. Last evaluated: 2026-02-04. Review status: criteria provided, single submitter. Criteria: Invitae Variant Classification Sherloc (09022015). Collection method: clinical testing. Allele origin: germline.

Dasa
Classification: Benign. Last evaluated: 2025-12-19. Review status: criteria provided, single submitter. Criteria: DASA Assertion Criteria. Collection method: clinical testing. Allele origin: germline.
Comment: NM_006231.4(POLE):c.6418G>A (p.Glu2140Lys) is a missense variant that results in the substitution of glutamic acid with lysine. Population frequency is inconsistent with a disease-causing role for this variant, and observations in unaffected individuals support a benign interpretation. Computational prediction algorithms are consistent with a benign effect. Therefore, based on the currently available evidence, this variant is classified as benign.

ARUP Laboratories, Molecular Genetics and Genomics, ARUP Laboratories
Classification: Benign. Last evaluated: 2025-06-10. Review status: criteria provided, single submitter. Criteria: ARUP Molecular Germline Variant Investigation Process 2024. Collection method: clinical testing. Allele origin: germline.

Center for Genomic Medicine, Rigshospitalet, Copenhagen University Hospital
Classification: Benign. Last evaluated: 2025-03-04. Review status: criteria provided, single submitter. Criteria: ACMG Guidelines, 2015. Collection method: clinical testing. Allele origin: germline.

Mayo Clinic Laboratories, Mayo Clinic
Classification: Benign. Last evaluated: 2025-02-03. Review status: criteria provided, single submitter. Criteria: ACMG Guidelines, 2015. Collection method: clinical testing. Allele origin: germline. Observed: 24 variant alleles.
Comment: BS1, BS2, BP4

Blueprint Genetics
Classification: Likely benign. Last evaluated: 2024-11-27. Review status: criteria provided, single submitter. Criteria: ACMG Guidelines, 2015. Collection method: clinical testing. Allele origin: germline.

KCCC/NGS Laboratory, Kuwait Cancer Control Center
Classification: Benign for Colorectal cancer, susceptibility to, 12. Last evaluated: 2023-07-07. Review status: criteria provided, single submitter. Criteria: ACMG Guidelines, 2015. Collection method: clinical testing. Allele origin: germline. Affected: yes.

Sema4
Classification: Benign for Hereditary cancer-predisposing syndrome. Last evaluated: 2021-05-11. Review status: criteria provided, single submitter. Criteria: Sema4 Curation Guidelines. Collection method: curation. Allele origin: germline.

Quest Diagnostics Nichols Institute San Juan Capistrano
Classification: Benign. Last evaluated: 2017-09-04. Review status: criteria provided, single submitter. Criteria: Quest Diagnostics criteria. Collection method: clinical testing. Allele origin: unknown.

GeneDx
Classification: Benign. Last evaluated: 2017-04-28. Review status: criteria provided, single submitter. Criteria: GeneDx Variant Classification (06012015). Collection method: clinical testing. Allele origin: germline. Affected: yes.
Comment: This variant is considered likely benign or benign based on one or more of the following criteria: it is a conservative change, it occurs at a poorly conserved position in the protein, it is predicted to be benign by multiple in silico algorithms, and/or has population frequency not consistent with disease.

PreventionGenetics, part of Exact Sciences
Classification: Benign. Last evaluated: 2016-11-22. Review status: criteria provided, single submitter. Criteria: ACMG Guidelines, 2015. Collection method: clinical testing. Allele origin: germline.

Women's Health and Genetics/Laboratory Corporation of America, LabCorp
Classification: Benign. Last evaluated: 2016-08-17. Review status: criteria provided, single submitter. Criteria: LabCorp Variant Classification Summary - May 2015. Collection method: clinical testing. Allele origin: germline.
Comment: Variant summary: The c.6418G>A (p.Glu2140Lysl) in POLE gene is a missense change that involves a conserved nucleotide and 4/5 in silico tools predict benign outcome. The variant is present in the control population dataset of ExAC at an overall frequency 0.0159 (1899/119208 chrs tested) predominantly in individuals of European ancestry (0.025; 1784/72012 chrs tested). The latter frequency exceeds the estimated maximum allele frequency for a pathogenic allele in this gene (0.000014). The variant has not, to our knowledge, been reported in affected individuals, but is cited as Benign by a reputable database/clinical laboratory. Taking together, the variant was classified as Benign.

Ambry Genetics
Classification: Benign for Hereditary cancer-predisposing syndrome. Last evaluated: 2015-06-19. Review status: criteria provided, single submitter. Criteria: Ambry Variant Classification Scheme 2023. Collection method: clinical testing. Allele origin: germline.

Breakthrough Genomics
Classification: Likely benign. Review status: criteria provided, single submitter. Criteria: ACMG Guidelines, 2015. Collection method: not provided. Allele origin: germline. Inheritance: Autosomal recessive inheritance. Affected: yes.

True Health Diagnostics
Classification: Likely benign for Hereditary cancer-predisposing syndrome. Last evaluated: 2018-02-15. Review status: no assertion criteria provided. Collection method: clinical testing. Allele origin: germline. Not counted in ClinVar's aggregate classification.

Counsyl
Classification: Likely benign for Colorectal cancer, susceptibility to, 12. Last evaluated: 2016-06-07. Review status: no assertion criteria provided. Collection method: clinical testing. Allele origin: unknown. Not counted in ClinVar's aggregate classification.

Clinical Genetics, Academic Medical Center
Classification: Benign. Review status: no assertion criteria provided. Collection method: clinical testing. Allele origin: germline. Affected: yes. Study: VKGL Data-share Consensus. Not counted in ClinVar's aggregate classification.

Department of Pathology and Laboratory Medicine, Sinai Health System
Classification: Benign. Review status: no assertion criteria provided. Collection method: clinical testing. Allele origin: unknown. Affected: yes. Study: The Canadian Open Genetics Repository (COGR). Not counted in ClinVar's aggregate classification.
Comment: The POLE p.Glu2140Lys variant was identified to be associated with an increased risk of breast cancer in a study looking at the potential that markers in DNA repair pathways collectively show an association with breast cancer when any single marker is too weak to find an association (Monsees_2011). The variant was also identified in dbSNP (ID: rs5745066) â€šÃ„ÃºWith other alleleâ€šÃ„Ã¹, ClinVar (classified benign by Invitae, GeneDx, Ambry Genetics, and Laboratory Corporation of America, and likely benign by Counsyl and Quest Diagnostics Institute San Juan Capistrano) and Clinvitae (3x), and was not identified in Cosmic and MutDB. The variant was identified in control databases in 4149 of 276872 chromosomes (56 homozygous) at a frequency of 0.01 increasing the likelihood this could be a low frequency benign variant (Genome Aggregation Database Feb 27, 2017). It was observed in the following populations: African in 78 of 23996 chromosomes (freq: 0.003), Other in 102 (1 homozygous)of 6462 chromosomes (freq: 0.02), Latino in 124 (2 homozygous) of 34408 chromosomes (freq: 0.004), European Non-Finnish in 2973 (38 homozygous)of 126440 chromosomes (freq: 0.02), Ashkenazi Jewish in 59 (1 homozygous)of 10142 chromosomes (freq: 0.006), European Finnish in 749 (12 homozygous) of 25788 chromosomes (freq: 0.03), and South Asian in 64 (2 homozygous) of 30774 chromosomes (freq: 0.002); it was not observed in the East Asian population. The p.Glu2140 residue is conserved in mammals but not in more distantly related organisms however four out of five computational analyses (PolyPhen-2, SIFT, AlignGVGD, BLOSUM, MutationTaster) do not suggest a high likelihood of impact of the variant Lys to the protein; this information is not predictive enough to rule out pathogenicity. The variant occurs outside of the splicing consensus sequence and in silico or computational prediction software programs (SpliceSiteFinder, MaxEntScan, NNSPLICE, GeneSplicer, HumanSpliceFinder) do not predict a difference in splicing. In summary, based on the above information this variant meets our laboratory's criteria to be classified as benign.

Genome Diagnostics Laboratory, Amsterdam University Medical Center
Classification: Benign. Review status: no assertion criteria provided. Collection method: clinical testing. Allele origin: germline. Affected: yes. Study: VKGL Data-share Consensus. Not counted in ClinVar's aggregate classification.

Genome Diagnostics Laboratory, University Medical Center Utrecht
Classification: Benign. Review status: no assertion criteria provided. Collection method: clinical testing. Allele origin: germline. Affected: yes. Study: VKGL Data-share Consensus. Not counted in ClinVar's aggregate classification.

Joint Genome Diagnostic Labs from Nijmegen and Maastricht, Radboudumc and MUMC+
Classification: Benign. Review status: no assertion criteria provided. Collection method: clinical testing. Allele origin: germline. Affected: yes. Study: VKGL Data-share Consensus. Not counted in ClinVar's aggregate classification.

Laboratory of Diagnostic Genome Analysis, Leiden University Medical Center (LUMC)
Classification: Likely benign. Review status: no assertion criteria provided. Collection method: clinical testing. Allele origin: germline. Affected: yes. Study: VKGL Data-share Consensus. Not counted in ClinVar's aggregate classification.

Literature cited by the submitters: PubMed 22493747 (cited by Counsyl); PubMed 20496165 (cited by Counsyl).